The following is an entry in ClinVar:

ClinVar aggregate classification (germline): Uncertain significance. Review status: criteria provided, multiple submitters, no conflicts (2 of 4 stars). 2 submissions from 2 submitters: Uncertain significance (2). Last evaluated 2026-07-10.

Conditions:
Tuberous sclerosis 1 (TSC1). Identifiers: Orphanet 805, MedGen C1854465, MONDO:0008612, OMIM 191100.
Hereditary cancer-predisposing syndrome. Also called: Neoplastic Syndromes, Hereditary; Hereditary Cancer Syndrome; Hereditary neoplastic syndrome; Tumor predisposition. Identifiers: Orphanet 140162, MedGen C0027672, MeSH D009386, MONDO:0015356.

Submissions (2):

Ambry Genetics
Classification: Uncertain significance for Hereditary cancer-predisposing syndrome. Last evaluated: 2026-07-10. Review status: criteria provided, single submitter. Criteria: Ambry Variant Classification Scheme 2023. Collection method: clinical testing. Allele origin: germline.
Comment: The p.W347R variant (also known as c.1039T>C), located in coding exon 9 of the TSC1 gene, results from a T to C substitution at nucleotide position 1039. The tryptophan at codon 347 is replaced by arginine, an amino acid with dissimilar properties. This amino acid position is conserved. In addition, this alteration is predicted to be deleterious by in silico analysis. Based on the available evidence, the clinical significance of this variant remains unclear.

Labcorp Genetics (formerly Invitae), Labcorp
Classification: Uncertain significance for Tuberous sclerosis 1. Last evaluated: 2025-05-27. Review status: criteria provided, single submitter. Criteria: Invitae Variant Classification Sherloc (09022015). Collection method: clinical testing. Allele origin: germline.
Comment: This sequence change replaces tryptophan, which is neutral and slightly polar, with arginine, which is basic and polar, at codon 347 of the TSC1 protein (p.Trp347Arg). This variant is not present in population databases (gnomAD no frequency). This variant has not been reported in the literature in individuals affected with TSC1-related conditions. ClinVar contains an entry for this variant (Variation ID: 583311). Invitae Evidence Modeling of protein sequence and biophysical properties (such as structural, functional, and spatial information, amino acid conservation, physicochemical variation, residue mobility, and thermodynamic stability) indicates that this missense variant is not expected to disrupt TSC1 protein function with a negative predictive value of 95%. In summary, the available evidence is currently insufficient to determine the role of this variant in disease. Therefore, it has been classified as a Variant of Uncertain Significance.

NM_000368.5(TSC1):c.1039T>C (p.Trp347Arg)

Gene: TSC1 (TSC complex subunit 1; minus strand). Cytogenetic location: 9q34.13.
Variant type: single nucleotide variant.
Coding change: c.1039T>C on transcript NM_000368.5 (MANE Select); coding-DNA position 1039, T replaced by C.
Protein change: p.Trp347Arg; replaces tryptophan 347 with arginine.
Molecular consequence: missense variant.
Genome position (GRCh38, 1-based): chr9:132,911,104, A>G on the plus strand (T>C on the coding strand, the complement: TSC1 is on the minus strand). VCF-style: chr9-132911104-A-G. GRCh37 (hg19) VCF-style: chr9-135786491-A-G.
Other names: c.1039T>C, p.Trp347Arg (NM_001162426.2); c.886T>C, p.Trp296Arg (NM_001162427.2); c.676T>C, p.Trp226Arg (NM_001362177.2); short protein forms W347R, W226R, W296R.
Identifiers: ClinVar variation 583311 (VCV000583311.10), dbSNP rs1175861603, ClinGen allele CA375367876.